The following is an entry in ClinVar:

NM_025215.6(PUS1):c.430C>G (p.Arg144Gly)

Genes: PUS1 (pseudouridine synthase 1; plus strand), LOC132090059 (Neanderthal introgressed variant-containing enhancer experimental_25941; plus strand). Cytogenetic location: 12q24.33.
Variant type: single nucleotide variant.
Coding change: c.430C>G on transcript NM_025215.6 (MANE Select); coding-DNA position 430, C replaced by G.
Protein change: p.Arg144Gly; replaces arginine 144 with glycine.
Molecular consequence: missense variant.
Genome position (GRCh38, 1-based): chr12:131,932,301, C>G. VCF-style: chr12-131932301-C-G. GRCh37 (hg19) VCF-style: chr12-132416846-C-G.
Other names: c.346C>G, p.Arg116Gly (NM_001002019.3, NM_001002020.3); c.430C>G (NM_025215.5); short protein forms R116G, R144G.
Identifiers: ClinVar variation 2187061 (VCV002187061.4), dbSNP rs104894371, ClinGen allele CA387298141.

ClinVar aggregate classification (germline): Uncertain significance. Review status: criteria provided, single submitter (1 of 4 stars). 2 submissions from 2 submitters: Uncertain significance (1). 1 of the submissions does not count toward it. Last evaluated 2024-02-24.

Conditions:
Myopathy, lactic acidosis, and sideroblastic anemia. Also called: Mitochondrial myopathy and sideroblastic anemia; Myopathy with lactic acidosis and sideroblastic anemia. Identifiers: Orphanet 2598, MedGen C1838103, MONDO:0000863.

Submissions (2):

Labcorp Genetics (formerly Invitae), Labcorp
Classification: Uncertain significance. Last evaluated: 2024-02-24. Review status: criteria provided, single submitter. Criteria: Invitae Variant Classification Sherloc (09022015). Collection method: clinical testing. Allele origin: germline.
Comment: This sequence change replaces arginine, which is basic and polar, with glycine, which is neutral and non-polar, at codon 144 of the PUS1 protein (p.Arg144Gly). This variant is not present in population databases (gnomAD no frequency). This variant has not been reported in the literature in individuals affected with PUS1-related conditions. ClinVar contains an entry for this variant (Variation ID: 2187061). Advanced modeling of protein sequence and biophysical properties (such as structural, functional, and spatial information, amino acid conservation, physicochemical variation, residue mobility, and thermodynamic stability) performed at Invitae indicates that this missense variant is expected to disrupt PUS1 protein function with a positive predictive value of 80%. This variant disrupts the p.Arg144 amino acid residue in PUS1. Other variant(s) that disrupt this residue have been determined to be pathogenic (PMID: 15108122, 15971356). This suggests that this residue is clinically significant, and that variants that disrupt this residue are likely to be disease-causing. In summary, the available evidence is currently insufficient to determine the role of this variant in disease. Therefore, it has been classified as a Variant of Uncertain Significance.

Natera, Inc.
Classification: Uncertain significance for Mitochondrial myopathy and sideroblastic anemia. Last evaluated: 2025-03-20. Review status: no assertion criteria provided. Collection method: clinical testing. Allele origin: germline. Not counted in ClinVar's aggregate classification.

Literature cited by the submitters: PubMed 15108122 (cited by Labcorp Genetics (formerly Invitae), Labcorp); PubMed 15971356 (cited by Labcorp Genetics (formerly Invitae), Labcorp).